The following is an entry in ClinVar:

NM_015107.3(PHF8):c.2870G>A (p.Arg957His)

Gene: PHF8 (PHD finger protein 8; minus strand). Cytogenetic location: Xp11.22.
Variant type: single nucleotide variant.
Coding change: c.2870G>A on transcript NM_015107.3 (MANE Select); coding-DNA position 2870, G replaced by A.
Protein change: p.Arg957His; replaces arginine 957 with histidine.
Molecular consequence: missense variant.
Genome position (GRCh38, 1-based): chrX:53,940,296, C>T on the plus strand (G>A on the coding strand, the complement: PHF8 is on the minus strand). VCF-style: chrX-53940296-C-T. GRCh37 (hg19) VCF-style: chrX-53966729-C-T.
Other names: c.2978G>A, p.Arg993His (NM_001184896.1); c.2567G>A, p.Arg856His (NM_001184897.2); short protein forms R856H, R957H, R993H.
Identifiers: ClinVar variation 2228570 (VCV002228570.2), dbSNP rs1557083045, ClinGen allele CA413240858.

ClinVar aggregate classification (germline): Uncertain significance (1 of 4 stars; one submission).

Conditions:
Inborn genetic diseases. Identifiers: MedGen C0950123, MeSH D030342.

Allele frequency attached by ClinVar (database versions not stated): gnomAD exomes 0.00001.

Submission:

Ambry Genetics
Classification: Uncertain significance for Inborn genetic diseases. Last evaluated: 2020-12-21. Review status: criteria provided, single submitter. Criteria: Ambry Variant Classification Scheme 2023. Collection method: clinical testing. Allele origin: germline.
Comment: The c.2870G>A (p.R957H) alteration is located in exon 21 (coding exon 20) of the PHF8 gene. This alteration results from a G to A substitution at nucleotide position 2870, causing the arginine (R) at amino acid position 957 to be replaced by a histidine (H). The p.R957H alteration is predicted to be tolerated by in silico analysis. Based on insufficient or conflicting evidence, the clinical significance of this alteration remains unclear.